The following is an entry in ClinVar:

ClinVar aggregate classification (germline): Uncertain significance (1 of 4 stars; one submission).

Conditions:
UTP4-related disorder. Also called: UTP4-related condition.

Submission:

PreventionGenetics, part of Exact Sciences
Classification: Uncertain significance for UTP4-related condition. Last evaluated: 2025-02-21. Review status: criteria provided, single submitter. Criteria: ACMG Guidelines, 2015. Collection method: clinical testing. Allele origin: germline.
Comment: The UTP4 c.446_464del19 variant is predicted to result in a frameshift and premature protein termination (p.Leu149Profs*11). To our knowledge, this variant has not been reported in the literature or in a large population database (gnomAD), indicating this variant is rare. Loss-of-function is not an established mechanism for this gene. At this time, the clinical significance of this variant is uncertain due to the absence of conclusive functional and genetic evidence.

NM_032830.3(UTP4):c.446_464del (p.Leu149fs)

Gene: UTP4 (UTP4 small subunit processome component). Cytogenetic location: 16q22.1.
Variant type: Deletion.
Coding change: c.446_464del on transcript NM_032830.3 (MANE Select); coding-DNA positions 446 to 464, 19 bases deleted.
Protein change: p.Leu149fs; shifts the reading frame from leucine 149.
Molecular consequence: frameshift variant.
Genome position: GRCh38 VCF-style: chr16-69139827-CGCATCCTGAGTCTCAGCTG-C. GRCh37 (hg19) VCF-style: chr16-69173730-CGCATCCTGAGTCTCAGCTG-C.
Other names: c.197_215del, p.Leu66fs (NM_001318391.2); short protein forms L149fs, L66fs.
Identifiers: ClinVar variation 4984653 (VCV004984653.1).